The following is an entry in ClinVar:

ClinVar aggregate classification (germline): Benign/Likely benign. Review status: criteria provided, multiple submitters, no conflicts (2 of 4 stars). 5 submissions from 5 submitters: Benign (1); Likely benign (4). Last evaluated 2025-10-20.

Conditions:
Classic or attenuated familial adenomatous polyposis. Identifiers: MedGen CN372698, MONDO:0021057.
Familial adenomatous polyposis 1 (FAP1). Also called: POLYPOSIS, ADENOMATOUS INTESTINAL; FAMILIAL ADENOMATOUS POLYPOSIS 1, ATTENUATED. Identifiers: MedGen C2713442, MONDO:0021056, OMIM 175100. Disease mechanism: loss of function.
Hereditary cancer-predisposing syndrome. Also called: Neoplastic Syndromes, Hereditary; Tumor predisposition; Hereditary neoplastic syndrome; Hereditary Cancer Syndrome. Identifiers: Orphanet 140162, MedGen C0027672, MeSH D009386, MONDO:0015356.

Submissions (5):

Labcorp Genetics (formerly Invitae), Labcorp
Classification: Likely benign for Familial adenomatous polyposis 1. Last evaluated: 2025-10-20. Review status: criteria provided, single submitter. Criteria: Invitae Variant Classification Sherloc (09022015). Collection method: clinical testing. Allele origin: germline.

Myriad Genetics, Inc.
Classification: Benign for Familial adenomatous polyposis 1. Last evaluated: 2024-03-18. Review status: criteria provided, single submitter. Criteria: Myriad Autosomal Dominant, Autosomal Recessive and X-Linked Classification Criteria (2023). Collection method: clinical testing. Allele origin: unknown.
Comment: This variant is considered benign. This variant is a silent/synonymous amino acid change and it is not expected to impact splicing.

All of Us Research Program, National Institutes of Health
Classification: Likely benign for Classic or attenuated familial adenomatous polyposis. Last evaluated: 2023-05-04. Review status: criteria provided, single submitter. Criteria: ACMG Guidelines, 2015. Collection method: clinical testing. Allele origin: germline. Inheritance: Autosomal dominant inheritance. Observed: 1 variant allele, 1 heterozygote.
Comment: This study involves interpretation of variants in research participants for the purpose of population health screening. Participant phenotype was not available at the time of variant classification. Additional details can be found in publication PMID: 35346344, PMCID: PMC8962531

Ambry Genetics
Classification: Likely benign for Hereditary cancer-predisposing syndrome. Last evaluated: 2023-04-03. Review status: criteria provided, single submitter. Criteria: Ambry Variant Classification Scheme 2023. Collection method: clinical testing. Allele origin: germline.

ARUP Laboratories, Molecular Genetics and Genomics, ARUP Laboratories
Classification: Likely benign. Last evaluated: 2019-06-04. Review status: criteria provided, single submitter. Criteria: ARUP Molecular Germline Variant Investigation Process. Collection method: clinical testing. Allele origin: germline.

NM_000038.6(APC):c.3117A>C (p.Gly1039=)

Gene: APC (APC regulator of Wnt signaling pathway; plus strand). Cytogenetic location: 5q22.2.
Variant type: single nucleotide variant.
Coding change: c.3117A>C on transcript NM_000038.6 (MANE Select); coding-DNA position 3117, A replaced by C.
Protein change: p.Gly1039=; no amino-acid change (glycine 1039 retained).
Molecular consequence: synonymous variant.
Genome position (GRCh38, 1-based): chr5:112,838,711, A>C. VCF-style: chr5-112838711-A-C. GRCh37 (hg19) VCF-style: chr5-112174408-A-C.
Other names: c.3117A>C (NM_000038.5); c.3117A>C, p.Gly1039= (NM_001127510.3, NM_001354895.2); c.3063A>C, p.Gly1021= (NM_001127511.3); c.3171A>C, p.Gly1057= (NM_001354896.2); c.3147A>C, p.Gly1049= (NM_001354897.2); c.3042A>C, p.Gly1014= (NM_001354898.2); c.3033A>C, p.Gly1011= (NM_001354899.2); c.2994A>C, p.Gly998= (NM_001354900.2); and 6 more.
Identifiers: ClinVar variation 812064 (VCV000812064.20), dbSNP rs1580631098, ClinGen allele CA445963185.